The following is an entry in ClinVar:

ClinVar aggregate classification (germline): Uncertain significance (1 of 4 stars; one submission).

Submission:

Labcorp Genetics (formerly Invitae), Labcorp
Classification: Uncertain significance. Last evaluated: 2022-12-20. Review status: criteria provided, single submitter. Criteria: Invitae Variant Classification Sherloc (09022015). Collection method: clinical testing. Allele origin: germline.
Comment: In summary, the available evidence is currently insufficient to determine the role of this variant in disease. Therefore, it has been classified as a Variant of Uncertain Significance. Algorithms developed to predict the effect of sequence changes on RNA splicing suggest that this variant may create or strengthen a splice site. Advanced modeling of protein sequence and biophysical properties (such as structural, functional, and spatial information, amino acid conservation, physicochemical variation, residue mobility, and thermodynamic stability) performed at Invitae indicates that this missense variant is not expected to disrupt POLE protein function. This variant has not been reported in the literature in individuals affected with POLE-related conditions. This variant is not present in population databases (gnomAD no frequency). This sequence change replaces alanine, which is neutral and non-polar, with valine, which is neutral and non-polar, at codon 1780 of the POLE protein (p.Ala1780Val).

NM_006231.4(POLE):c.5339C>T (p.Ala1780Val)

Gene: POLE (DNA polymerase epsilon, catalytic subunit; minus strand). Cytogenetic location: 12q24.33.
Variant type: single nucleotide variant.
Coding change: c.5339C>T on transcript NM_006231.4 (MANE Select); coding-DNA position 5339, C replaced by T.
Protein change: p.Ala1780Val; replaces alanine 1780 with valine.
Molecular consequence: missense variant.
Genome position (GRCh38, 1-based): chr12:132,641,686, G>A on the plus strand (C>T on the coding strand, the complement: POLE is on the minus strand). VCF-style: chr12-132641686-G-A. GRCh37 (hg19) VCF-style: chr12-133218272-G-A.
Other names: short protein forms A1780V.
Identifiers: ClinVar variation 2820458 (VCV002820458.3), dbSNP rs1024088828, ClinGen allele CA387375843.